The following is an entry in ClinVar:

ClinVar aggregate classification (germline): Pathogenic (1 of 4 stars; one submission).

Conditions:
Joubert syndrome and related disorders. Identifiers: Orphanet 140874, MedGen C5679612, MONDO:0015369.

Submission:

Myriad Genetics, Inc.
Classification: Pathogenic for Joubert syndrome and related disorders. Last evaluated: 2025-12-21. Review status: criteria provided, single submitter. Criteria: Myriad Autosomal Dominant, Autosomal Recessive and X-Linked Classification Criteria (2023). Collection method: clinical testing. Allele origin: unknown.
Comment: NM_001080522.2(CC2D2A):c.1091dupC(P365Afs*10) is expected to be pathogenic in the context of CC2D2A-related disorders. This variant is predicted to lead to an abnormal or absent protein product due to the creation of a premature termination codon in CC2D2A, a gene where loss-of-function variants are known to be pathogenic. Please note: this variant was assessed in the context of healthy population screening.

NM_001378615.1(CC2D2A):c.1091dup (p.Pro365fs)

Genes: CC2D2A (coiled-coil and C2 domain containing 2A; plus strand), FBXL5 (F-box and leucine rich repeat protein 5; minus strand). Cytogenetic location: 4p15.32.
Variant type: Duplication.
Coding change: c.1091dup on transcript NM_001378615.1 (MANE Select); coding-DNA position 1091, one base duplicated (C; older notation c.1091dupC).
Protein change: p.Pro365fs; shifts the reading frame from proline 365.
Molecular consequence: frameshift variant.
Genome position (GRCh38, 1-based): chr4:15,516,698, C duplicated; the last of 2 consecutive C bases (chr4:15,516,697-15,516,698); duplicating either gives the same sequence. VCF-style (leftmost placement, unchanged base first): chr4-15516696-G-GC. GRCh37 (hg19) VCF-style: chr4-15518319-G-GC.
Other names: c.1091dup, p.Pro365fs (NM_001080522.2); c.944dup, p.Pro316fs (NM_001378617.1); short protein forms P316fs, P365fs.
Identifiers: ClinVar variation 5015353 (VCV005015353.1).